The following is an entry in ClinVar:

NM_000059.4(BRCA2):c.1281C>G (p.Asp427Glu)

Gene: BRCA2 (BRCA2 DNA repair associated; plus strand). Cytogenetic location: 13q13.1.
Variant type: single nucleotide variant.
Coding change: c.1281C>G on transcript NM_000059.4 (MANE Select); coding-DNA position 1281, C replaced by G.
Protein change: p.Asp427Glu; replaces aspartic acid 427 with glutamic acid.
Molecular consequence: missense variant.
Genome position (GRCh38, 1-based): chr13:32,332,759, C>G. VCF-style: chr13-32332759-C-G. GRCh37 (hg19) VCF-style: chr13-32906896-C-G.
Other names: short protein forms D427E.
Identifiers: ClinVar variation 441324 (VCV000441324.8), dbSNP rs772430226, ClinGen allele CA6940502.

ClinVar aggregate classification (germline): Benign/Likely benign. Review status: criteria provided, multiple submitters, no conflicts (2 of 4 stars). 2 submissions from 2 submitters: Benign (1); Likely benign (1). Last evaluated 2024-06-05.

Conditions:
Hereditary cancer-predisposing syndrome. Also called: Hereditary Cancer Syndrome; Hereditary neoplastic syndrome; Neoplastic Syndromes, Hereditary; Tumor predisposition. Identifiers: Orphanet 140162, MedGen C0027672, MeSH D009386, MONDO:0015356.

Allele frequency attached by ClinVar (database versions not stated): gnomAD below 0.00001 and 0.00001; ExAC 0.00003; gnomAD exomes 0.00003.
gnomAD v4.1: 16 of 1,608,006 alleles (0.001%); highest among the groups gnomAD compares: South Asian, 0.018%; no homozygotes.

Submissions (2):

Ambry Genetics
Classification: Benign for Hereditary cancer-predisposing syndrome. Last evaluated: 2024-06-05. Review status: criteria provided, single submitter. Criteria: Ambry Variant Classification Scheme 2023. Collection method: clinical testing. Allele origin: germline.

University of Washington Department of Laboratory Medicine, University of Washington
Classification: Likely benign for Hereditary cancer-predisposing syndrome. Last evaluated: 2023-03-23. Review status: criteria provided, single submitter. Criteria: Dines et al. (Genet Med. 2020). Collection method: curation. Allele origin: germline.
Comment: Missense variant in a coldspot region where missense variants are very unlikely to be pathogenic (PMID:31911673).

BRCA2 exon 10 coldspot. Reclassification based on statistical prior probability.